The following is an entry in ClinVar:

ClinVar aggregate classification (germline): Uncertain significance (1 of 4 stars; one submission).

Submission:

Athena Diagnostics
Classification: Uncertain significance. Last evaluated: 2025-01-15. Review status: criteria provided, single submitter. Criteria: Athena Diagnostics Criteria. Collection method: clinical testing. Allele origin: unknown.
Comment: Available data are insufficient to determine the clinical significance of the variant at this time. This variant has not been reported in large, multi-ethnic general populations. Computational tools yielded predictions that this variant is unlikely to have an effect on normal RNA splicing.

NM_021625.5(TRPV4):c.2259G>A (p.Arg753=)

Gene: TRPV4 (transient receptor potential cation channel subfamily V member 4; minus strand). Cytogenetic location: 12q24.11.
Variant type: single nucleotide variant.
Coding change: c.2259G>A on transcript NM_021625.5 (MANE Select); coding-DNA position 2259, G replaced by A.
Protein change: p.Arg753=; no amino-acid change (arginine 753 retained).
Molecular consequence: synonymous variant.
Genome position (GRCh38, 1-based): chr12:109,786,787, C>T on the plus strand (G>A on the coding strand, the complement: TRPV4 is on the minus strand). VCF-style: chr12-109786787-C-T. GRCh37 (hg19) VCF-style: chr12-110224592-C-T.
Other names: c.2079G>A, p.Arg693= (NM_147204.3); c.2118G>A, p.Arg706= (NM_001177428.2); c.2157G>A, p.Arg719= (NM_001177431.2); c.1938G>A, p.Arg646= (NM_001177433.2).
Identifiers: ClinVar variation 4682368 (VCV004682368.1).